The following is an entry in ClinVar:

ClinVar aggregate classification (germline): Uncertain significance (1 of 4 stars; one submission).

Conditions:
Developmental and epileptic encephalopathy, 9 (DEE9). Also called: Early infantile epileptic encephalopathy 9; EPILEPSY, FEMALE-RESTRICTED, WITH MENTAL RETARDATION; JUBERG-HELLMAN SYNDROME; PCDH19-Related X-Linked Female-Limited Epilepsy with Mental Retardation. Identifiers: Orphanet 101039, Orphanet 2076, MedGen C1848137, MONDO:0010246, OMIM 300088. Disease mechanism: loss of function.

Submission:

Labcorp Genetics (formerly Invitae), Labcorp
Classification: Uncertain significance for Developmental and epileptic encephalopathy, 9. Last evaluated: 2023-09-22. Review status: criteria provided, single submitter. Criteria: Invitae Variant Classification Sherloc (09022015). Collection method: clinical testing. Allele origin: germline.
Comment: This sequence change replaces leucine, which is neutral and non-polar, with proline, which is neutral and non-polar, at codon 543 of the PCDH19 protein (p.Leu543Pro). This variant is not present in population databases (gnomAD no frequency). This missense change has been observed in individual(s) with Dravet syndrome (PMID: 19214208). Advanced modeling of protein sequence and biophysical properties (such as structural, functional, and spatial information, amino acid conservation, physicochemical variation, residue mobility, and thermodynamic stability) performed at Invitae indicates that this missense variant is expected to disrupt PCDH19 protein function. In summary, the available evidence is currently insufficient to determine the role of this variant in disease. Therefore, it has been classified as a Variant of Uncertain Significance.

Literature cited by the submitters: PubMed 19214208.

NM_001184880.2(PCDH19):c.1628T>C (p.Leu543Pro)

Gene: PCDH19 (protocadherin 19; minus strand). Cytogenetic location: Xq22.1.
Variant type: single nucleotide variant.
Coding change: c.1628T>C on transcript NM_001184880.2 (MANE Select); coding-DNA position 1628, T replaced by C.
Protein change: p.Leu543Pro; replaces leucine 543 with proline.
Molecular consequence: missense variant.
Genome position (GRCh38, 1-based): chrX:100,406,970, A>G on the plus strand (T>C on the coding strand, the complement: PCDH19 is on the minus strand). VCF-style: chrX-100406970-A-G. GRCh37 (hg19) VCF-style: chrX-99661968-A-G.
Other names: c.1628T>C, p.Leu543Pro (NM_001105243.2, NM_020766.3); short protein forms L543P.
Identifiers: ClinVar variation 2737274 (VCV002737274.3), dbSNP rs2520980205, ClinGen allele CA414002308.